The following is an entry in ClinVar:

NM_017909.4(RMND1):c.499A>G (p.Asn167Asp)

Gene: RMND1 (required for meiotic nuclear division 1 homolog; minus strand). Cytogenetic location: 6q25.1.
Variant type: single nucleotide variant.
Coding change: c.499A>G on transcript NM_017909.4 (MANE Select); coding-DNA position 499, A replaced by G.
Protein change: p.Asn167Asp; replaces asparagine 167 with aspartic acid.
Molecular consequence: missense variant. On other transcripts: intron variant (1).
Genome position (GRCh38, 1-based): chr6:151,445,313, T>C on the plus strand (A>G on the coding strand, the complement: RMND1 is on the minus strand). VCF-style: chr6-151445313-T-C. GRCh37 (hg19) VCF-style: chr6-151766448-T-C.
Other names: c.-7+6703A>G (NM_001271937.2); short protein forms N167D.
Identifiers: ClinVar variation 4978526 (VCV004978526.1).
Genomic context (GRCh38, chr6:151,445,313, plus strand): 5'-GTTTAGCATGAGCAATGATCACTAAGCACGAGAGCCACGGCCACCCCTACTTTACCTCGT[T>C]CACAGACAGAACTGGAAGGTTGGTCCTGGATGGCTGTCTGGTCCTGGATGCTTTTAGTGG-3'
Protein context (NP_060379.2, residues 157-177): SRTNLPVLSV[Asn167Asp]EDLMHCTAFA

ClinVar aggregate classification (germline): Uncertain significance (1 of 4 stars; one submission).

Conditions:
RMND1-related disorder. Also called: RMND1-related condition.

gnomAD v4.1: 3 of 1,606,988 alleles (0.00019%); highest among the groups gnomAD compares: Middle Eastern, 0.017%; no homozygotes.

Submission:

PreventionGenetics, part of Exact Sciences
Classification: Uncertain significance for RMND1-related condition. Last evaluated: 2025-09-02. Review status: criteria provided, single submitter. Criteria: ACMG Guidelines, 2015. Collection method: clinical testing. Allele origin: germline.
Comment: The RMND1 c.499A>G variant is predicted to result in the amino acid substitution p.Asn167Asp. To our knowledge, this variant has not been reported in the literature or in a large population database (gnomAD), indicating this variant is rare. At this time, the clinical significance of this variant is uncertain due to the absence of conclusive functional and genetic evidence.